The following is an entry in ClinVar:

ClinVar aggregate classification (germline): Likely benign (1 of 4 stars; one submission).

gnomAD v4.1: 39 of 1,560,428 alleles (0.0025%); highest among the groups gnomAD compares: Admixed American, 0.051%; no homozygotes.

Submission:

CeGaT Center for Human Genetics Tuebingen
Classification: Likely benign. Last evaluated: 2026-09-01. Review status: criteria provided, single submitter. Criteria: CeGaT Center For Human Genetics Tuebingen Variant Classification Criteria Version 2. Collection method: clinical testing. Allele origin: germline. Affected: yes. Observed: 1 variant allele.
Comment: ZFP36L2: BP4, BP7

NM_006887.5(ZFP36L2):c.1407C>T (p.Leu469=)

Genes: ZFP36L2 (ZFP36 like 2 zinc finger CCCH-type; minus strand), LOC129933606 (ATAC-STARR-seq lymphoblastoid active region 15667; plus strand). Cytogenetic location: 2p21.
Variant type: single nucleotide variant.
Coding change: c.1407C>T on transcript NM_006887.5 (MANE Select); coding-DNA position 1407, C replaced by T.
Protein change: p.Leu469=; no amino-acid change (leucine 469 retained).
Molecular consequence: synonymous variant.
Genome position (GRCh38, 1-based): chr2:43,224,397, G>A on the plus strand (C>T on the coding strand, the complement: ZFP36L2 is on the minus strand). VCF-style: chr2-43224397-G-A. GRCh37 (hg19) VCF-style: chr2-43451536-G-A.
Identifiers: ClinVar variation 5041448 (VCV005041448.1).